The following is an entry in ClinVar:

ClinVar aggregate classification (germline): Benign. Review status: criteria provided, multiple submitters, no conflicts (2 of 4 stars). 6 submissions from 6 submitters: Benign (6). Last evaluated 2026-02-04.

Conditions:
COG5-congenital disorder of glycosylation. Also called: CONGENITAL DISORDER OF GLYCOSYLATION, TYPE IIi; CDG IIi; COG5-CDG. Identifiers: Orphanet 263487, MedGen C3150876, MONDO:0013325, OMIM 613612.

Allele frequency attached by ClinVar (database versions not stated): 1000 Genomes Project 30x 0.12523; 1000 Genomes Project 0.12979; gnomAD 0.15364 and 0.15564; TOPMed 0.15415; ESP Exome Variant Server 0.15893; gnomAD exomes 0.18687 and 0.20748; ExAC 0.19830.
gnomAD v4.1: 323,271 of 1,599,442 alleles (20%); highest among the groups gnomAD compares: Non-Finnish European, 22%; 34,751 homozygotes.

Submissions (7):

Labcorp Genetics (formerly Invitae), Labcorp
Classification: Benign for COG5-congenital disorder of glycosylation. Last evaluated: 2026-02-04. Review status: criteria provided, single submitter. Criteria: Invitae Variant Classification Sherloc (09022015). Collection method: clinical testing. Allele origin: germline.

Genome-Nilou Lab
Classification: Benign for COG5-congenital disorder of glycosylation. Last evaluated: 2021-07-22. Review status: criteria provided, single submitter. Criteria: ACMG Guidelines, 2015. Collection method: clinical testing. Allele origin: germline. Affected: no.

Mayo Clinic Laboratories, Mayo Clinic
Classification: Benign. Last evaluated: 2018-10-02. Review status: criteria provided, single submitter. Criteria: ACMG Guidelines, 2015. Collection method: clinical testing. Allele origin: germline. Observed: 13 variant alleles.

Illumina Laboratory Services, Illumina
Classification: Benign for COG5-congenital disorder of glycosylation. Last evaluated: 2018-01-13. Review status: criteria provided, single submitter. Criteria: ICSL Variant Classification Criteria 13 December 2019. Collection method: clinical testing. Allele origin: germline.
Comment: This variant was observed in the ICSL laboratory as part of a predisposition screen in an ostensibly healthy population. It had not been previously curated by ICSL or reported in the Human Gene Mutation Database (HGMD: prior to June 1st, 2018), and was therefore a candidate for classification through an automated scoring system. Utilizing variant allele frequency, disease prevalence and penetrance estimates, and inheritance mode, an automated score was calculated to assess if this variant is too frequent to cause the disease. Based on the score and internal cut-off values, a variant classified as benign is not then subjected to further curation. The score for this variant resulted in a classification of benign for this disease.

GeneDx
Classification: Benign. Last evaluated: 2015-12-02. Review status: criteria provided, single submitter. Criteria: GeneDx Variant Classification (06012015). Collection method: clinical testing. Allele origin: germline. Affected: yes.
Comment: This variant is considered likely benign or benign based on one or more of the following criteria: it is a conservative change, it occurs at a poorly conserved position in the protein, it is predicted to be benign by multiple in silico algorithms, and/or has population frequency not consistent with disease.

Breakthrough Genomics
Classification: Benign. Review status: criteria provided, single submitter. Criteria: ACMG Guidelines, 2015. Collection method: not provided. Allele origin: germline. Inheritance: Autosomal recessive inheritance. Affected: yes.

Dr. Peter K. Rogan Lab, Western University
No classification provided (evidence only). Condition: Colorectal cancer. Review status: no classification provided. Collection method: in vitro. Allele origin: not applicable. Functional consequence: retained intron. Not counted in ClinVar's aggregate classification.

NM_006348.5(COG5):c.1689T>G (p.Val563=)

Gene: COG5 (component of oligomeric golgi complex 5; minus strand). Cytogenetic location: 7q22.3.
Variant type: single nucleotide variant.
Coding change: c.1689T>G on transcript NM_006348.5 (MANE Select); coding-DNA position 1689, T replaced by G.
Protein change: p.Val563=; no amino-acid change (valine 563 retained).
Molecular consequence: synonymous variant. On other transcripts: intron variant (2).
Genome position (GRCh38, 1-based): chr7:107,256,792, A>C on the plus strand (T>G on the coding strand, the complement: COG5 is on the minus strand). VCF-style: chr7-107256792-A-C. GRCh37 (hg19) VCF-style: chr7-106897237-A-C.
Other names: p.Val594=; c.1689T>G, p.Val563= (NM_001161520.2, NM_001379513.1, NM_001379514.1); c.1527T>G, p.Val509= (NM_001379511.1); c.1119T>G, p.Val373= (NM_001379515.1); c.975T>G, p.Val325= (NM_001379516.1); c.1576-8293T>G (NM_001379512.1); c.1686+1481T>G (NM_181733.4).
Identifiers: ClinVar variation 358458 (VCV000358458.19), dbSNP rs17349904, ClinGen allele CA4430823.
Genomic context (GRCh38, chr7:107,256,792, plus strand): 5'-CTTTAGAGCTGAAATTATAGTTTGCTCAGCTGCCAGTGGGAATGAGCTCTGACTGGAAAC[A>C]ACCTAGAACAAGGTTTTGATCCAGTTATAGTTTCGCTTAAGTCTATTTCTGTAAATACTA-3'
Protein context (NP_006339.4, residues 553-573): LYKLHQSVTK[Val563=]VSSQSSFPLA